The following is an entry in ClinVar:

ClinVar aggregate classification (germline): Uncertain significance (1 of 4 stars; one submission).

Allele frequency attached by ClinVar (database versions not stated): TOPMed 0.00001.
gnomAD v4.1: 6 of 1,614,146 alleles (0.00037%); highest among the groups gnomAD compares: Admixed American, 0.0067%; no homozygotes.

Submission:

Labcorp Genetics (formerly Invitae), Labcorp
Classification: Uncertain significance. Last evaluated: 2022-06-13. Review status: criteria provided, single submitter. Criteria: Invitae Variant Classification Sherloc (09022015). Collection method: clinical testing. Allele origin: germline.
Comment: In summary, the available evidence is currently insufficient to determine the role of this variant in disease. Therefore, it has been classified as a Variant of Uncertain Significance. Algorithms developed to predict the effect of missense changes on protein structure and function are either unavailable or do not agree on the potential impact of this missense change (SIFT: "Deleterious"; PolyPhen-2: "Benign"; Align-GVGD: "Class C0"). This variant has not been reported in the literature in individuals affected with LRRK1-related conditions. This variant is present in population databases (no rsID available, gnomAD 0.003%). This sequence change replaces aspartic acid, which is acidic and polar, with tyrosine, which is neutral and polar, at codon 1811 of the LRRK1 protein (p.Asp1811Tyr).

NM_024652.6(LRRK1):c.5431G>T (p.Asp1811Tyr)

Genes: LRRK1 (leucine rich repeat kinase 1; plus strand), LRRK1-AS1 (LRRK1 antisense RNA 1; minus strand). Cytogenetic location: 15q26.3.
Variant type: single nucleotide variant.
Coding change: c.5431G>T on transcript NM_024652.6 (MANE Select); coding-DNA position 5431, G replaced by T.
Protein change: p.Asp1811Tyr; replaces aspartic acid 1811 with tyrosine.
Molecular consequence: missense variant.
Genome position (GRCh38, 1-based): chr15:101,065,868, G>T. VCF-style: chr15-101065868-G-T. GRCh37 (hg19) VCF-style: chr15-101606073-G-T.
Other names: short protein forms D1811Y.
Identifiers: ClinVar variation 1941461 (VCV001941461.4), dbSNP rs1319081084, ClinGen allele CA393961516.